The following is an entry in ClinVar:

ClinVar aggregate classification (germline): Uncertain significance (1 of 4 stars; one submission).

Allele frequency attached by ClinVar (database versions not stated): gnomAD 0.00004.
gnomAD v4.1: 58 of 1,606,780 alleles (0.0036%); highest among the groups gnomAD compares: Middle Eastern, 0.049%; no homozygotes.

Submission:

CeGaT Center for Human Genetics Tuebingen
Classification: Uncertain significance. Last evaluated: 2023-06-01. Review status: criteria provided, single submitter. Criteria: CeGaT Center For Human Genetics Tuebingen Variant Classification Criteria Version 2. Collection method: clinical testing. Allele origin: germline. Affected: yes. Observed: 1 variant allele.
Comment: MAPT: PM2, BP4

NM_001377265.1(MAPT):c.775G>A (p.Ala259Thr)

Gene: MAPT (microtubule associated protein tau). Cytogenetic location: 17q21.31.
Variant type: single nucleotide variant.
Coding change: c.775G>A on transcript NM_001377265.1 (MANE Select); coding-DNA position 775, G replaced by A.
Protein change: p.Ala259Thr; replaces alanine 259 with threonine.
Molecular consequence: missense variant. On other transcripts: intron variant (8).
Genome position (GRCh38, 1-based): chr17:45,983,354, G>A. VCF-style: chr17-45983354-G-A. GRCh37 (hg19) VCF-style: chr17-44060720-G-A.
Other names: c.550G>A, p.Ala184Thr (NM_001123066.4, NM_016835.5); c.775G>A, p.Ala259Thr (NM_001377266.1); c.200-3686G>A (NM_001377268.1, NM_016834.5, NM_016841.5); c.374-3686G>A (NM_005910.6, NM_001203252.2); c.287-3686G>A (NM_001123067.4, NM_001203251.2, NM_001377267.1); short protein forms A184T, A259T.
Identifiers: ClinVar variation 2570991 (VCV002570991.27), dbSNP rs377597373, ClinGen allele CA8617693.